The following is an entry in ClinVar:

ClinVar aggregate classification (germline): Conflicting classifications of pathogenicity. Review status: criteria provided, conflicting classifications (1 of 4 stars). 7 submissions from 7 submitters: Uncertain significance (2); Likely benign (5). Last evaluated 2025-08-29.

Conditions:
Inborn genetic diseases. Identifiers: MedGen C0950123, MeSH D030342.
Cornelia de Lange syndrome 1 (CDLS1). Also called: Brachmann de Lange syndrome; NIPBL-Related Cornelia de Lange Syndrome; TYPUS DEGENERATIVUS AMSTELODAMENSIS. Identifiers: Orphanet 199, MedGen C4551851, MONDO:0007387, OMIM 122470.

Allele frequency attached by ClinVar (database versions not stated): ExAC 0.00005; gnomAD exomes 0.00006 and 0.00016; TOPMed 0.00006.
gnomAD v4.1: 246 of 1,613,048 alleles (0.015%); highest among the groups gnomAD compares: Non-Finnish European, 0.019%; no homozygotes.

Submissions (7):

Labcorp Genetics (formerly Invitae), Labcorp
Classification: Likely benign for Cornelia de Lange syndrome 1. Last evaluated: 2025-08-29. Review status: criteria provided, single submitter. Criteria: Invitae Variant Classification Sherloc (09022015). Collection method: clinical testing. Allele origin: germline.

Blueprint Genetics
Classification: Likely benign. Last evaluated: 2024-10-07. Review status: criteria provided, single submitter. Criteria: ACMG Guidelines, 2015. Collection method: clinical testing. Allele origin: germline.

Ambry Genetics
Classification: Likely benign for Inborn genetic diseases. Last evaluated: 2024-05-03. Review status: criteria provided, single submitter. Criteria: Ambry Variant Classification Scheme 2023. Collection method: clinical testing. Allele origin: germline.

CeGaT Center for Human Genetics Tuebingen
Classification: Likely benign. Last evaluated: 2024-04-01. Review status: criteria provided, single submitter. Criteria: CeGaT Center For Human Genetics Tuebingen Variant Classification Criteria Version 2. Collection method: clinical testing. Allele origin: germline. Affected: yes. Observed: 3 variant alleles.
Comment: NIPBL: BP4

Genome-Nilou Lab
Classification: Likely benign for Cornelia de Lange syndrome 1. Last evaluated: 2021-07-15. Review status: criteria provided, single submitter. Criteria: ACMG Guidelines, 2015. Collection method: clinical testing. Allele origin: germline. Affected: no.

Illumina Laboratory Services, Illumina
Classification: Uncertain significance for Cornelia de Lange syndrome 1. Last evaluated: 2018-01-13. Review status: criteria provided, single submitter. Criteria: ICSL Variant Classification Criteria 13 December 2019. Collection method: clinical testing. Allele origin: germline.

Eurofins Ntd Llc (ga)
Classification: Uncertain significance. Last evaluated: 2014-09-10. Review status: criteria provided, single submitter. Criteria: EGL Classification Definitions 2015. Collection method: clinical testing. Allele origin: germline. Observed: 2 variant alleles, 2 heterozygotes.

NM_133433.4(NIPBL):c.1833T>A (p.Ser611Arg)

Gene: NIPBL (NIPBL cohesin loading factor; plus strand). Cytogenetic location: 5p13.2.
Variant type: single nucleotide variant.
Coding change: c.1833T>A on transcript NM_133433.4 (MANE Select); coding-DNA position 1833, T replaced by A.
Protein change: p.Ser611Arg; replaces serine 611 with arginine.
Molecular consequence: missense variant.
Genome position (GRCh38, 1-based): chr5:36,985,013, T>A. VCF-style: chr5-36985013-T-A. GRCh37 (hg19) VCF-style: chr5-36985115-T-A.
Other names: c.1833T>A, p.Ser611Arg (NM_015384.5); short protein forms S611R.
Identifiers: ClinVar variation 193759 (VCV000193759.46), dbSNP rs199546324, ClinGen allele CA239390.
Genomic context (GRCh38, chr5:36,985,013, plus strand): 5'-TACACCAGAAAACCATCCTGAGACACCTAAAAAAAAGTCTGATCCTGAGCTTTCAAAGAG[T>A]GAAATGAAACAAAGTGAAAGTAGATTAGCAGAATCTAAACCAAATGAAAACCGATTGGTG-3'
Protein context (NP_597677.2, residues 601-621): KKKSDPELSK[Ser611Arg]EMKQSESRLA